The following is an entry in ClinVar:

ClinVar aggregate classification (germline): Pathogenic/Likely pathogenic. Review status: criteria provided, multiple submitters, no conflicts (2 of 4 stars). 3 submissions from 3 submitters: Pathogenic (2); Likely pathogenic (1). Last evaluated 2019-06-19.

Conditions:
Familial thoracic aortic aneurysm and aortic dissection (TAAD). Also called: Thoracic aortic aneurysms and dissections. Identifiers: Orphanet 91387, MedGen C4707243, MONDO:0019625.
Marfan syndrome (MFS). Also called: Marfan syndrome, classic; Marfan syndrome type 1; Marfan's syndrome; FBN1-Related Marfan Syndrome; MARFAN SYNDROME, TYPE I. Identifiers: Orphanet 284963, Orphanet 558, MedGen C0024796, MONDO:0007947, OMIM 154700.
Isolated thoracic aortic aneurysm.

Submissions (3):

Labcorp Genetics (formerly Invitae), Labcorp
Classification: Pathogenic for Marfan syndrome; Familial thoracic aortic aneurysm and aortic dissection. Last evaluated: 2019-06-19. Review status: criteria provided, single submitter. Criteria: Invitae Variant Classification Sherloc (09022015). Collection method: clinical testing. Allele origin: germline.
Comment: For these reasons, this variant has been classified as Pathogenic. Loss-of-function variants in FBN1 are known to be pathogenic (PMID: 17657824, 19293843). This variant has not been reported in the literature in individuals with FBN1-related conditions. This variant is not present in population databases (ExAC no frequency). This sequence change creates a premature translational stop signal (p.Cys555*) in the FBN1 gene. It is expected to result in an absent or disrupted protein product.

Department of Vascular Biology, Beijing Anzhen Hospital
Classification: Likely pathogenic for Isolated thoracic aortic aneurysm. Last evaluated: 2018-09-01. Review status: criteria provided, single submitter. Criteria: ACMG Guidelines, 2015. Collection method: research. Allele origin: germline. Affected: yes.

Ambry Genetics
Classification: Pathogenic for Familial thoracic aortic aneurysm and aortic dissection. Last evaluated: 2017-10-12. Review status: criteria provided, single submitter. Criteria: Ambry Variant Classification Scheme 2023. Collection method: clinical testing. Allele origin: germline.
Comment: The p.C555* pathogenic mutation (also known as c.1665C>A), located in coding exon 13 of the FBN1 gene, results from a C to A substitution at nucleotide position 1665. This changes the amino acid from a cysteine to a stop codon within coding exon 13. This alteration is expected to result in loss of function by premature protein truncation or nonsense-mediated mRNA decay. As such, this alteration is interpreted as a disease-causing mutation.

Literature cited by the submitters: PubMed 17657824 (cited by Labcorp Genetics (formerly Invitae), Labcorp); PubMed 19293843 (cited by Labcorp Genetics (formerly Invitae), Labcorp).

NM_000138.5(FBN1):c.1665C>A (p.Cys555Ter)

Gene: FBN1 (fibrillin 1; minus strand). Cytogenetic location: 15q21.1.
Variant type: single nucleotide variant.
Coding change: c.1665C>A on transcript NM_000138.5 (MANE Select); coding-DNA position 1665, C replaced by A.
Protein change: p.Cys555Ter; replaces cysteine 555 with a stop codon.
Molecular consequence: nonsense.
Genome position (GRCh38, 1-based): chr15:48,510,093, G>T on the plus strand (C>A on the coding strand, the complement: FBN1 is on the minus strand). VCF-style: chr15-48510093-G-T. GRCh37 (hg19) VCF-style: chr15-48802290-G-T.
Other names: short protein forms C555*.
Identifiers: ClinVar variation 945745 (VCV000945745.12), dbSNP rs531101773, ClinGen allele CA392341069.